The following is an entry in ClinVar:

ClinVar aggregate classification (germline): Uncertain significance. Review status: criteria provided, multiple submitters, no conflicts (2 of 4 stars). 2 submissions from 2 submitters: Uncertain significance (2). Last evaluated 2025-12-08.

Conditions:
Inborn genetic diseases. Identifiers: MedGen C0950123, MeSH D030342.

Submissions (2):

Ambry Genetics
Classification: Uncertain significance for Inborn genetic diseases. Last evaluated: 2025-12-08. Review status: criteria provided, single submitter. Criteria: Ambry Variant Classification Scheme 2023. Collection method: clinical testing. Allele origin: germline.

Labcorp Genetics (formerly Invitae), Labcorp
Classification: Uncertain significance. Last evaluated: 2023-08-24. Review status: criteria provided, single submitter. Criteria: Invitae Variant Classification Sherloc (09022015). Collection method: clinical testing. Allele origin: germline.
Comment: This sequence change replaces histidine, which is basic and polar, with arginine, which is basic and polar, at codon 354 of the PRDM13 protein (p.His354Arg). This variant is not present in population databases (gnomAD no frequency). This variant has not been reported in the literature in individuals affected with PRDM13-related conditions. ClinVar contains an entry for this variant (Variation ID: 1995279). An algorithm developed to predict the effect of missense changes on protein structure and function (PolyPhen-2) suggests that this variant is likely to be tolerated. In summary, the available evidence is currently insufficient to determine the role of this variant in disease. Therefore, it has been classified as a Variant of Uncertain Significance.

NM_021620.4(PRDM13):c.1061A>G (p.His354Arg)

Genes: PRDM13 (PR/SET domain 13; plus strand), LOC129996881 (ATAC-STARR-seq lymphoblastoid silent region 17422; plus strand). Cytogenetic location: 6q16.2.
Variant type: single nucleotide variant.
Coding change: c.1061A>G on transcript NM_021620.4 (MANE Select); coding-DNA position 1061, A replaced by G.
Protein change: p.His354Arg; replaces histidine 354 with arginine.
Molecular consequence: missense variant.
Genome position (GRCh38, 1-based): chr6:99,613,696, A>G. VCF-style: chr6-99613696-A-G. GRCh37 (hg19) VCF-style: chr6-100061572-A-G.
Other names: c.1061A>G (NM_021620.3); short protein forms H354R.
Identifiers: ClinVar variation 1995279 (VCV001995279.5), dbSNP rs2538546031, ClinGen allele CA365117619.